The following is an entry in ClinVar:

NM_000059.4(BRCA2):c.9586A>G (p.Lys3196Glu)

Gene: BRCA2 (BRCA2 DNA repair associated; plus strand). Cytogenetic location: 13q13.1.
Variant type: single nucleotide variant.
Coding change: c.9586A>G on transcript NM_000059.4 (MANE Select); coding-DNA position 9586, A replaced by G.
Protein change: p.Lys3196Glu; replaces lysine 3196 with glutamic acid.
Molecular consequence: missense variant.
Genome position (GRCh38, 1-based): chr13:32,396,982, A>G. VCF-style: chr13-32396982-A-G. GRCh37 (hg19) VCF-style: chr13-32971119-A-G.
Other names: p.K3196E:AAA>GAA; 9814A>G; short protein forms K3196E.
Identifiers: ClinVar variation 38251 (VCV000038251.78), dbSNP rs80359228, ClinGen allele CA026224.

ClinVar aggregate classification (germline): Conflicting classifications of pathogenicity. Review status: criteria provided, conflicting classifications (1 of 4 stars). 22 submissions from 22 submitters: Uncertain significance (3); Benign (5); Likely benign (8). 6 of the submissions do not count toward it. Last evaluated 2026-02-04.

Conditions:
Breast and/or ovarian cancer. Identifiers: MedGen CN221562.
Hereditary cancer-predisposing syndrome. Also called: Neoplastic Syndromes, Hereditary; Tumor predisposition; Hereditary Cancer Syndrome; Hereditary neoplastic syndrome. Identifiers: Orphanet 140162, MedGen C0027672, MeSH D009386, MONDO:0015356.
Breast neoplasm. Also called: Neoplasm of breast; Breast tumor; Breast Neoplasms; Neoplasm of the breast. Identifiers: MedGen C1458155, MeSH D001943, MONDO:0021100, HP:0100013. Disease mechanism: gain of function.
Hereditary breast ovarian cancer syndrome. Also called: Hereditary breast and ovarian cancer; Breast and ovarian cancer; Hereditary breast and/or ovarian cancer syndrome; Hereditary breast and ovarian cancer syndrome (HBOC); Hereditary breast and ovarian cancer syndrome; BRCA1- and BRCA2-Associated Hereditary Breast and Ovarian Cancer. Identifiers: Orphanet 145, MedGen C0677776, MeSH D061325, MONDO:0003582. Disease mechanism: loss of function.
Breast-ovarian cancer, familial, susceptibility to, 2 (BROVCA2). Also called: BRCA2 Hereditary Breast and Ovarian Cancer. Identifiers: Orphanet 145, MedGen C2675520, MONDO:0012933, OMIM 612555. Disease mechanism: loss of function.
Malignant tumor of breast. Also called: Malignant breast neoplasm; Cancer breast. Identifiers: MedGen C0006142, MONDO:0007254. Disease mechanism: loss of function.

Allele frequency attached by ClinVar (database versions not stated): gnomAD 0.00003 and 0.00004; gnomAD exomes 0.00004 and 0.00010; TOPMed 0.00005; ESP Exome Variant Server 0.00008; ExAC 0.00010; 1000 Genomes Project 30x 0.00016; 1000 Genomes Project 0.00020.
gnomAD v4.1: 72 of 1,614,096 alleles (0.0045%); highest among the groups gnomAD compares: Middle Eastern, 0.099%; no homozygotes.

Submissions 1 to 21 of 22:

Labcorp Genetics (formerly Invitae), Labcorp
Classification: Benign for Hereditary breast ovarian cancer syndrome. Last evaluated: 2026-02-04. Review status: criteria provided, single submitter. Criteria: Invitae Variant Classification Sherloc (09022015). Collection method: clinical testing. Allele origin: germline.

Quest Diagnostics Nichols Institute San Juan Capistrano
Classification: Likely benign. Last evaluated: 2025-06-06. Review status: criteria provided, single submitter. Criteria: Quest Diagnostics criteria. Collection method: clinical testing. Allele origin: unknown.

Revvity Omics, Revvity
Classification: Uncertain significance. Last evaluated: 2025-05-06. Review status: criteria provided, single submitter. Criteria: ACMG Guidelines, 2015. Collection method: clinical testing. Allele origin: germline.

CeGaT Center for Human Genetics Tuebingen
Classification: Likely benign. Last evaluated: 2025-04-01. Review status: criteria provided, single submitter. Criteria: CeGaT Center For Human Genetics Tuebingen Variant Classification Criteria Version 2. Collection method: clinical testing. Allele origin: germline. Affected: yes. Observed: 3 variant alleles.
Comment: BRCA2: BP4, BS1

Center for Genomic Medicine, Rigshospitalet, Copenhagen University Hospital
Classification: Likely benign. Last evaluated: 2025-03-04. Review status: criteria provided, single submitter. Criteria: ACMG Guidelines, 2015. Collection method: clinical testing. Allele origin: germline.

Molecular Diagnostics Laboratory, Catalan Institute of Oncology
Classification: Benign for Hereditary cancer-predisposing syndrome. Last evaluated: 2025-02-13. Review status: criteria provided, single submitter. Criteria: ClinGen BRCA1BRCA2 ACMG Specifications BRCA2 V1.0.0. Collection method: clinical testing. Allele origin: germline.
Comment: BS1, BP1_Strong c.9586A>G, located in exon 26 of the BRCA2 gene, is predicted to result in the substitution of Lys by Glu at codon 3196, p.(Lys3196Glu). This position is outside a (potentially) clinically important functional domain and, moreover, the SpliceAI algorithm predicts no significant impact on splicing (BP1_strong). It was found in 10/34260 alleles, with a filter allele frequency of 0.015% at 95% confidence, within the Latino population in the gnomAD v2.1 (non-cancer, exome only subset) (BS1). To our knowledge, no well-stablished functional studies have been reported for this variant. This variant has been reported in the ClinVar database (6x benign, 8x likely benign,4x uncertain significance), in the LOVD database (1x likely benign, 10x uncertain significance) and in the BRCA Exchange database as Not yet reviewed. Based on currently available information, the variant c.9586A>G should be considered a benign variant.

Institute for Biomarker Research, Medical Diagnostic Laboratories, L.L.C.
Classification: Uncertain significance for Hereditary breast ovarian cancer syndrome. Last evaluated: 2024-11-20. Review status: criteria provided, single submitter. Criteria: ACMG Guidelines, 2015. Collection method: clinical testing. Allele origin: germline.
Comment: The missense variant NM_000059.4(BRCA2):c.9586A>G (p.Lys3196Glu) has not been reported previously as a pathogenic variant nor as a benign variant, to our knowledge. The variant is observed in one or more well-documented healthy adults. There is a small physicochemical difference between lysine and glutamic acid, which is not likely to impact secondary protein structure as these residues share similar properties. The gene BRCA2 has a low rate of benign missense variation as indicated by a high missense variants Z-Score of 1.00. The gene BRCA2 contains 148 pathogenic missense variants, indicating that missense variants are a common mechanism of disease in this gene. For these reasons, this variant has been classified as Uncertain Significance.

Blueprint Genetics
Classification: Likely benign. Last evaluated: 2024-09-05. Review status: criteria provided, single submitter. Criteria: ACMG Guidelines, 2015. Collection method: clinical testing. Allele origin: germline.

ARUP Laboratories, Molecular Genetics and Genomics, ARUP Laboratories
Classification: Likely benign. Last evaluated: 2024-08-05. Review status: criteria provided, single submitter. Criteria: ARUP Molecular Germline Variant Investigation Process 2024. Collection method: clinical testing. Allele origin: germline.

Mayo Clinic Laboratories, Mayo Clinic
Classification: Benign. Last evaluated: 2024-02-28. Review status: criteria provided, single submitter. Criteria: ACMG Guidelines, 2015. Collection method: clinical testing. Allele origin: germline. Observed: 2 variant alleles.
Comment: BS1, BP1_strong

GeneDx
Classification: Likely benign. Last evaluated: 2021-01-26. Review status: criteria provided, single submitter. Criteria: GeneDx Variant Classification Process June 2021. Collection method: clinical testing. Allele origin: germline. Affected: yes.
Comment: This variant is associated with the following publications: (PMID: 25637381, 26332594, 24607278, 11139248, 25556971, 21120943, 27153395, 25985138, 27062684, 23704879, 27067391, 30254663, 31131559, 32123317)

Sema4
Classification: Likely benign for Hereditary cancer-predisposing syndrome. Last evaluated: 2020-10-23. Review status: criteria provided, single submitter. Criteria: Sema4 Curation Guidelines. Collection method: curation. Allele origin: germline.

Women's Health and Genetics/Laboratory Corporation of America, LabCorp
Classification: Likely benign. Last evaluated: 2017-07-06. Review status: criteria provided, single submitter. Criteria: LabCorp Variant Classification Summary - May 2015. Collection method: clinical testing. Allele origin: germline.

Laboratory for Molecular Medicine, Mass General Brigham Personalized Medicine
Classification: Uncertain significance. Last evaluated: 2016-08-11. Review status: criteria provided, single submitter. Criteria: LMM Criteria. Collection method: clinical testing. Allele origin: germline.
Comment: Variant identified in a genome or exome case(s) and assessed due to predicted null impact of the variant or pathogenic assertions in the literature or databases. Disclaimer: This variant has not undergone full assessment. ClinVar: 5 B/LB, 1 VUS

Color Diagnostics, LLC DBA Color Health
Classification: Benign for Hereditary cancer-predisposing syndrome. Last evaluated: 2016-07-23. Review status: criteria provided, single submitter. Criteria: ACMG Guidelines, 2015. Collection method: clinical testing. Allele origin: germline.

Ambry Genetics
Classification: Benign for Hereditary cancer-predisposing syndrome. Last evaluated: 2014-11-19. Review status: criteria provided, single submitter. Criteria: Ambry Variant Classification Scheme 2023. Collection method: clinical testing. Allele origin: germline.

CSER _CC_NCGL, University of Washington
Classification: Likely benign for Breast cancer. Last evaluated: 2014-06-01. Review status: no assertion criteria provided. Collection method: research. Allele origin: germline. Inheritance: Autosomal dominant inheritance. Study: ESP 6500 variant annotation. Not counted in ClinVar's aggregate classification.
Comment: Variants classified for the Actionable exomic incidental findings in 6503 participants: challenges of variant classification manuscript

Sharing Clinical Reports Project (SCRP)
Classification: Benign for Breast-ovarian cancer, familial 2. Last evaluated: 2012-05-01. Review status: no assertion criteria provided. Collection method: clinical testing. Allele origin: germline. Not counted in ClinVar's aggregate classification.

Breast Cancer Information Core (BIC) (BRCA2)
Classification: Uncertain significance for Breast-ovarian cancer, familial 2. Last evaluated: 2004-02-20. Review status: no assertion criteria provided. Collection method: clinical testing. Allele origin: germline. Affected: yes. Observed: 8 variant alleles. Not counted in ClinVar's aggregate classification.

Foulkes Cancer Genetics LDI, Lady Davis Institute for Medical Research
Classification: Uncertain significance for Breast and/or ovarian cancer. Last evaluated: 2003-02-11. Review status: no assertion criteria provided. Collection method: clinical testing. Allele origin: germline. Study: The Canadian Open Genetics Repository (COGR). Not counted in ClinVar's aggregate classification.

Center of Medical Genetics and Primary Health Care
Classification: Benign for Breast Cancer. Review status: no assertion criteria provided. Collection method: clinical testing. Allele origin: germline. Affected: yes. Not counted in ClinVar's aggregate classification.